The following is an entry in ClinVar:

NM_153676.4(USH1C):c.556G>A (p.Asp186Asn)

Gene: USH1C (USH1 protein network component harmonin; minus strand). Cytogenetic location: 11p15.1.
Variant type: single nucleotide variant.
Coding change: c.556G>A on transcript NM_153676.4 (MANE Select); coding-DNA position 556, G replaced by A.
Protein change: p.Asp186Asn; replaces aspartic acid 186 with asparagine.
Molecular consequence: missense variant. On other transcripts: non-coding transcript variant (1).
Genome position (GRCh38, 1-based): chr11:17,526,776, C>T on the plus strand (G>A on the coding strand, the complement: USH1C is on the minus strand). VCF-style: chr11-17526776-C-T. GRCh37 (hg19) VCF-style: chr11-17548323-C-T.
Other names: c.556G>A, p.Asp186Asn (NM_001297764.2, NM_005709.4); c.556G>A (NM_005709.3); short protein forms D186N.
Identifiers: ClinVar variation 1935744 (VCV001935744.3), dbSNP rs2497186883, ClinGen allele CA379794318.
Genomic context (GRCh38, chr11:17,526,776, plus strand): 5'-CCCACCCAAACCCCATCACAGGAGGTCTGGCCCTTACCCCAGATTCCGACACAAACTGAT[C>T]CACATACTGCCAAGTGAGGGGCTCATCAGGAGAGCTGATGGGAAGGGAAAATAGATGGGA-3'
Protein context (NP_710142.1, residues 176-196): PDEPLTWQYV[Asp186Asn]QFVSESGGVR

ClinVar aggregate classification (germline): Uncertain significance. Review status: criteria provided, single submitter (1 of 4 stars). 2 submissions from 2 submitters: Uncertain significance (1). 1 of the submissions does not count toward it. Last evaluated 2022-08-19.

Conditions:
Usher syndrome type 1C. Also called: USHER SYNDROME, TYPE I, ACADIAN VARIETY. Identifiers: Orphanet 231169, Orphanet 886, MedGen C1848604, MONDO:0010171, OMIM 276904.

Submissions (2):

Labcorp Genetics (formerly Invitae), Labcorp
Classification: Uncertain significance. Last evaluated: 2022-08-19. Review status: criteria provided, single submitter. Criteria: Invitae Variant Classification Sherloc (09022015). Collection method: clinical testing. Allele origin: germline.
Comment: This sequence change replaces aspartic acid, which is acidic and polar, with asparagine, which is neutral and polar, at codon 186 of the USH1C protein (p.Asp186Asn). This variant is not present in population databases (gnomAD no frequency). This variant has not been reported in the literature in individuals affected with USH1C-related conditions. Algorithms developed to predict the effect of missense changes on protein structure and function are either unavailable or do not agree on the potential impact of this missense change (SIFT: "Tolerated"; PolyPhen-2: "Possibly Damaging"; Align-GVGD: "Class C0"). In summary, the available evidence is currently insufficient to determine the role of this variant in disease. Therefore, it has been classified as a Variant of Uncertain Significance.

Natera, Inc.
Classification: Uncertain significance for Usher syndrome type 1C. Last evaluated: 2025-05-21. Review status: no assertion criteria provided. Collection method: clinical testing. Allele origin: germline. Not counted in ClinVar's aggregate classification.